The following is an entry in ClinVar:

NM_138694.4(PKHD1):c.1288C>A (p.Gln430Lys)

Gene: PKHD1 (PKHD1 ciliary IPT domain containing fibrocystin/polyductin; minus strand). Cytogenetic location: 6p12.2.
Variant type: single nucleotide variant.
Coding change: c.1288C>A on transcript NM_138694.4 (MANE Select); coding-DNA position 1288, C replaced by A.
Protein change: p.Gln430Lys; replaces glutamine 430 with lysine.
Molecular consequence: missense variant.
Genome position (GRCh38, 1-based): chr6:52,058,547, G>T on the plus strand (C>A on the coding strand, the complement: PKHD1 is on the minus strand). VCF-style: chr6-52058547-G-T. GRCh37 (hg19) VCF-style: chr6-51923345-G-T.
Other names: c.1288C>A, p.Gln430Lys (NM_170724.3); short protein forms Q430K.
Identifiers: ClinVar variation 167497 (VCV000167497.33), dbSNP rs727504094, ClinGen allele CA234588.

ClinVar aggregate classification (germline): Uncertain significance. Review status: criteria provided, multiple submitters, no conflicts (2 of 4 stars). 5 submissions from 5 submitters: Uncertain significance (5). Last evaluated 2024-01-22.

Conditions:
Polycystic kidney disease 4 (PKD4). Also called: PKD3; POLYCYSTIC KIDNEY DISEASE 4 WITH OR WITHOUT POLYCYSTIC LIVER DISEASE; Autosomal Recessive Polycystic Kidney Disease – PKHD1; POLYCYSTIC KIDNEY AND HEPATIC DISEASE 1; POLYCYSTIC KIDNEY DISEASE, INFANTILE, TYPE I. Identifiers: MedGen C4540575, MONDO:0033004, OMIM 263200.
Inborn genetic diseases. Identifiers: MedGen C0950123, MeSH D030342.
Autosomal recessive polycystic kidney disease (ARPKD). Also called: AR polycystic kidney disease. Identifiers: Orphanet 731, Orphanet 8378, MedGen C0085548, MeSH D017044, MONDO:0009889.

Allele frequency attached by ClinVar (database versions not stated): TOPMed 0.00002; gnomAD exomes 0.00001; gnomAD 0.00003; ExAC 0.00002.
gnomAD v4.1: 36 of 1,614,138 alleles (0.0022%); highest among the groups gnomAD compares: Middle Eastern, 0.033%; no homozygotes.

Submissions (5):

Ambry Genetics
Classification: Uncertain significance for Inborn genetic diseases. Last evaluated: 2024-01-22. Review status: criteria provided, single submitter. Criteria: Ambry Variant Classification Scheme 2023. Collection method: clinical testing. Allele origin: germline.

CeGaT Center for Human Genetics Tuebingen
Classification: Uncertain significance. Last evaluated: 2023-07-01. Review status: criteria provided, single submitter. Criteria: CeGaT Center For Human Genetics Tuebingen Variant Classification Criteria Version 2. Collection method: clinical testing. Allele origin: germline. Affected: yes. Observed: 1 variant allele.
Comment: PKHD1: PM2, BP4

Fulgent Genetics
Classification: Uncertain significance for Polycystic kidney disease 4. Last evaluated: 2021-10-20. Review status: criteria provided, single submitter. Criteria: ACMG Guidelines, 2015. Collection method: clinical testing. Allele origin: unknown.

Illumina Laboratory Services, Illumina
Classification: Uncertain significance for Polycystic kidney disease 4. Last evaluated: 2018-01-13. Review status: criteria provided, single submitter. Criteria: ICSL Variant Classification Criteria 13 December 2019. Collection method: clinical testing. Allele origin: germline.

Eurofins Ntd Llc (ga)
Classification: Uncertain significance. Last evaluated: 2013-12-13. Review status: criteria provided, single submitter. Criteria: EGL Classification Definitions 2015. Collection method: clinical testing. Allele origin: germline. Observed: 1 variant allele, 1 heterozygote.